The following is an entry in ClinVar:

NM_004183.4(BEST1):c.716T>C (p.Val239Ala)

Gene: BEST1 (bestrophin 1; plus strand). Cytogenetic location: 11q12.3.
Variant type: single nucleotide variant.
Coding change: c.716T>C on transcript NM_004183.4 (MANE Select); coding-DNA position 716, T replaced by C.
Protein change: p.Val239Ala; replaces valine 239 with alanine.
Molecular consequence: missense variant. On other transcripts: non-coding transcript variant (1).
Genome position (GRCh38, 1-based): chr11:61,958,147, T>C. VCF-style: chr11-61958147-T-C. GRCh37 (hg19) VCF-style: chr11-61725619-T-C.
Other names: c.536T>C, p.Val179Ala (NM_001139443.3, NM_001300786.2, NM_001300787.2); c.398T>C, p.Val133Ala (NM_001363591.3); c.716T>C, p.Val239Ala (NM_001363592.2); c.-460T>C (NM_001363593.3); short protein forms V133A, V239A, V179A.
Identifiers: ClinVar variation 1366823 (VCV001366823.7), dbSNP rs2134444811, ClinGen allele CA380839316.
Genomic context (GRCh38, chr11:61,958,147, plus strand): 5'-ATCCTGATTTCAGGGTTCCCACCTAGCCCTTTGCTACCACATCCTCCTCCTCCTCCCAGG[T>C]GGTGACTGTGGCGGTGTACAGCTTCTTCCTGACTTGTCTAGTTGGGCGGCAGTTTCTGAA-3'
Protein context (NP_004174.1, residues 229-249): WISIPLVYTQ[Val239Ala]VTVAVYSFFL

ClinVar aggregate classification (germline): Uncertain significance. Review status: criteria provided, multiple submitters, no conflicts (2 of 4 stars). 2 submissions from 2 submitters: Uncertain significance (2). Last evaluated 2025-11-21.

Submissions (2):

Labcorp Genetics (formerly Invitae), Labcorp
Classification: Uncertain significance. Last evaluated: 2025-11-21. Review status: criteria provided, single submitter. Criteria: Invitae Variant Classification Sherloc (09022015). Collection method: clinical testing. Allele origin: germline.
Comment: This sequence change replaces valine, which is neutral and non-polar, with alanine, which is neutral and non-polar, at codon 239 of the BEST1 protein (p.Val239Ala). This variant is not present in population databases (gnomAD no frequency). This missense change has been observed in individual(s) with clinical features of Best vitelliform macular dystrophy (internal data). ClinVar contains an entry for this variant (Variation ID: 1366823). An algorithm developed to predict the effect of missense changes on protein structure and function (PolyPhen-2) suggests that this variant is likely to be disruptive. In summary, the available evidence is currently insufficient to determine the role of this variant in disease. Therefore, it has been classified as a Variant of Uncertain Significance.

Blueprint Genetics
Classification: Uncertain significance. Last evaluated: 2017-07-12. Review status: criteria provided, single submitter. Criteria: ACMG Guidelines, 2015. Collection method: clinical testing. Allele origin: germline.